The following is an entry in ClinVar:

ClinVar aggregate classification (germline): Pathogenic/Likely pathogenic. Review status: criteria provided, multiple submitters, no conflicts (2 of 4 stars). 2 submissions from 2 submitters: Pathogenic (1); Likely pathogenic (1). Last evaluated 2025-03-17.

Conditions:
Mucopolysaccharidosis, MPS-III-A (MPS3A). Also called: HEPARAN SULFATE SULFATASE DEFICIENCY; SANFILIPPO SYNDROME A; SULFAMIDASE DEFICIENCY; MPS III A; Mucopolysaccharidosis type IIIA (Sanfilippo A); MUCOPOLYSACCHARIDOSIS, TYPE IIIA, ATTENUATED. Identifiers: Orphanet 581, Orphanet 79269, MedGen C0086647, MONDO:0009655, OMIM 252900.

Submissions (2):

Labcorp Genetics (formerly Invitae), Labcorp
Classification: Pathogenic for Mucopolysaccharidosis, MPS-III-A. Last evaluated: 2025-03-17. Review status: criteria provided, single submitter. Criteria: Invitae Variant Classification Sherloc (09022015). Collection method: clinical testing. Allele origin: germline.
Comment: This sequence change affects a donor splice site in intron 7 of the SGSH gene. While this variant is not anticipated to result in nonsense mediated decay, it likely alters RNA splicing and results in a disrupted protein product. This variant is not present in population databases (gnomAD no frequency). Disruption of this splice site has been observed in individuals with mucopolysaccharidosis type III (PMID: 21671382). ClinVar contains an entry for this variant (Variation ID: 2678718). Variants that disrupt the consensus splice site are a relatively common cause of aberrant splicing (PMID: 17576681, 9536098). Algorithms developed to predict the effect of sequence changes on RNA splicing suggest that this variant may disrupt the consensus splice site. This variant disrupts a region of the SGSH protein in which other variant(s) (p.Trp479*) have been determined to be pathogenic (PMID: 21204211). This suggests that this is a clinically significant region of the protein, and that variants that disrupt it are likely to be disease-causing. For these reasons, this variant has been classified as Pathogenic.

Baylor Genetics
Classification: Likely pathogenic for Mucopolysaccharidosis, MPS-III-A. Last evaluated: 2024-01-19. Review status: criteria provided, single submitter. Criteria: ACMG Guidelines, 2015. Collection method: clinical testing. Allele origin: unknown.

Literature cited by the submitters: PubMed 21671382 (cited by Labcorp Genetics (formerly Invitae), Labcorp); PubMed 17576681 (cited by Labcorp Genetics (formerly Invitae), Labcorp); PubMed 9536098 (cited by Labcorp Genetics (formerly Invitae), Labcorp); PubMed 21204211 (cited by Labcorp Genetics (formerly Invitae), Labcorp).

NM_000199.5(SGSH):c.949+1G>A

Gene: SGSH (N-sulfoglucosamine sulfohydrolase; minus strand). Cytogenetic location: 17q25.3.
Variant type: single nucleotide variant.
Coding change: c.949+1G>A on transcript NM_000199.5 (MANE Select); the canonical splice donor site of the intron after coding-DNA position 949, G replaced by A.
Molecular consequence: splice donor variant.
Genome position (GRCh38, 1-based): chr17:80,212,070, C>T on the plus strand (G>A on the coding strand, the complement: SGSH is on the minus strand). VCF-style: chr17-80212070-C-T. GRCh37 (hg19) VCF-style: chr17-78185869-C-T.
Other names: c.949+1G>A (NM_001352921.3, NM_001352922.2).
Identifiers: ClinVar variation 2678718 (VCV002678718.5), dbSNP rs766840480, ClinGen allele CA401359602.